The following is an entry in ClinVar:

ClinVar aggregate classification (germline): Likely benign. Review status: criteria provided, multiple submitters, no conflicts (2 of 4 stars). 2 submissions from 2 submitters: Likely benign (2). Last evaluated 2024-02-16.

Allele frequency attached by ClinVar (database versions not stated): gnomAD exomes below 0.00001; gnomAD 0.00001.
gnomAD v4.1: 10 of 1,539,900 alleles (0.00065%); highest among the groups gnomAD compares: South Asian, 0.0012%; no homozygotes.

Submissions (2):

Blueprint Genetics
Classification: Likely benign. Last evaluated: 2024-02-16. Review status: criteria provided, single submitter. Criteria: ACMG Guidelines, 2015. Collection method: clinical testing. Allele origin: germline.

CeGaT Center for Human Genetics Tuebingen
Classification: Likely benign. Last evaluated: 2023-05-01. Review status: criteria provided, single submitter. Criteria: CeGaT Center For Human Genetics Tuebingen Variant Classification Criteria Version 2. Collection method: clinical testing. Allele origin: germline. Affected: yes. Observed: 2 variant alleles.
Comment: FANCC: BP4, BP7

NM_000136.3(FANCC):c.1329+213G>A

Genes: AOPEP (aminopeptidase O (putative); plus strand), FANCC (FA complementation group C; minus strand). Cytogenetic location: 9q22.32.
Variant type: single nucleotide variant.
Coding change: c.1329+213G>A on transcript NM_000136.3 (MANE Select); 213 bases into the intron after coding-DNA position 1329, G replaced by A.
Molecular consequence: intron variant. On other transcripts: synonymous variant (1).
Genome position (GRCh38, 1-based): chr9:95,111,250, C>T on the plus strand (G>A on the coding strand, the complement: FANCC is on the minus strand). VCF-style: chr9-95111250-C-T. GRCh37 (hg19) VCF-style: chr9-97873532-C-T.
Other names: c.1425G>A, p.Thr475= (NM_001243744.2); c.1329+213G>A (NM_001243743.2).
Identifiers: ClinVar variation 2659321 (VCV002659321.25), dbSNP rs1407351146, ClinGen allele CA589580842.